The following is an entry in ClinVar:

ClinVar aggregate classification (germline): Pathogenic. Review status: criteria provided, multiple submitters, no conflicts (2 of 4 stars). 2 submissions from 2 submitters: Pathogenic (2). Last evaluated 2022-07-04.

Conditions:
Legius syndrome. Identifiers: Orphanet 137605, MedGen C1969623, MONDO:0012669, OMIM 611431. Disease mechanism: loss of function.

Submissions (2):

Centre of Medical Genetics, University Hospital Muenster
Classification: Pathogenic. Last evaluated: 2022-07-04. Review status: criteria provided, single submitter. Criteria: ACMG Guidelines, 2015. Collection method: clinical testing. Allele origin: unknown. Affected: yes. Observed: 1 variant allele, 1 heterozygote.
Comment: ACMG categories: PVS1,PS4,PP5

Labcorp Genetics (formerly Invitae), Labcorp
Classification: Pathogenic for Legius syndrome. Last evaluated: 2019-03-13. Review status: criteria provided, single submitter. Criteria: Invitae Variant Classification Sherloc (09022015). Collection method: clinical testing. Allele origin: germline.
Comment: For these reasons, this variant has been classified as Pathogenic. Loss-of-function variants in SPRED1 are known to be pathogenic (PMID: 17704776). This variant has been observed in an individual affected with Legius syndrome (PMID: 24469042). This variant is not present in population databases (ExAC no frequency). This sequence change creates a premature translational stop signal (p.Asn132Lysfs*2) in the SPRED1 gene. It is expected to result in an absent or disrupted protein product.

Literature cited by the submitters: PubMed 17704776 (cited by Labcorp Genetics (formerly Invitae), Labcorp); PubMed 24469042 (cited by Labcorp Genetics (formerly Invitae), Labcorp).

NM_152594.3(SPRED1):c.395dup (p.Asn132fs)

Gene: SPRED1 (sprouty related EVH1 domain containing 1; plus strand). Cytogenetic location: 15q14.
Variant type: Duplication.
Coding change: c.395dup on transcript NM_152594.3 (MANE Select); coding-DNA position 395, one base duplicated (A; older notation c.395dupA).
Protein change: p.Asn132fs; shifts the reading frame from asparagine 132.
Molecular consequence: frameshift variant.
Genome position (GRCh38, 1-based): chr15:38,324,781, A duplicated; the last of 6 consecutive A bases (chr15:38,324,776-38,324,781); duplicating any one gives the same sequence. VCF-style (leftmost placement, unchanged base first): chr15-38324775-C-CA. GRCh37 (hg19) VCF-style: chr15-38616976-C-CA.
Other names: short protein forms N132fs.
Identifiers: ClinVar variation 848498 (VCV000848498.13), dbSNP rs1895677481, ClinGen allele CA658761254.